The following is an entry in ClinVar:

ClinVar aggregate classification (germline): Likely benign. Review status: criteria provided, single submitter (1 of 4 stars). 2 submissions from 2 submitters: Likely benign (1). 1 of the submissions does not count toward it. Last evaluated 2025-09-01.

Conditions:
KCNQ1-related disorder. Also called: KCNQ1-related disorders; KCNQ1-related condition. Identifiers: MedGen CN239322.

Allele frequency attached by ClinVar (database versions not stated): gnomAD 0.00053; 1000 Genomes Project 0.00120; 1000 Genomes Project 30x 0.00125.
gnomAD v4.1: 116 of 398,556 alleles (0.029%); highest among the groups gnomAD compares: Middle Eastern, 0.25%; no homozygotes.

Submissions (2):

CeGaT Center for Human Genetics Tuebingen
Classification: Likely benign. Last evaluated: 2025-09-01. Review status: criteria provided, single submitter. Criteria: CeGaT Center For Human Genetics Tuebingen Variant Classification Criteria Version 2. Collection method: clinical testing. Allele origin: germline. Affected: yes. Observed: 6 variant alleles.
Comment: KCNQ1OT1: BS1

PreventionGenetics, part of Exact Sciences
Classification: Likely benign for KCNQ1-related condition. Last evaluated: 2022-04-18. Review status: no assertion criteria provided. Collection method: clinical testing. Allele origin: germline. Not counted in ClinVar's aggregate classification.
Comment: This variant is classified as likely benign based on ACMG/AMP sequence variant interpretation guidelines (Richards et al. 2015 PMID: 25741868, with internal and published modifications).

NM_000218.3(KCNQ1):c.1514+22624C>T

Genes: KCNQ1 (potassium voltage-gated channel subfamily Q member 1; plus strand), KCNQ1OT1 (KCNQ1 opposite strand/antisense transcript 1; minus strand). Cytogenetic location: 11p15.5.
Variant type: single nucleotide variant.
Coding change: c.1514+22624C>T on transcript NM_000218.3 (MANE Select); 22624 bases into the intron after coding-DNA position 1514, C replaced by T.
Molecular consequence: intron variant.
Genome position (GRCh38, 1-based): chr11:2,684,705, C>T. VCF-style: chr11-2684705-C-T. GRCh37 (hg19) VCF-style: chr11-2705935-C-T.
Other names: c.1514+22624C>T (NM_000218.2); c.1418+22624C>T (NM_001406836.1); c.974+22624C>T (NM_001406838.1); c.1133+22624C>T (NM_181798.2); c.1244+22624C>T (NM_001406837.1).
Identifiers: ClinVar variation 1879192 (VCV001879192.30), dbSNP rs539789755, ClinGen allele CA216187546.